The following is an entry in ClinVar:

NM_001009944.3(PKD1):c.8000C>T (p.Ala2667Val)

Gene: PKD1 (polycystin 1, transient receptor potential channel interacting; minus strand). Cytogenetic location: 16p13.3.
Variant type: single nucleotide variant.
Coding change: c.8000C>T on transcript NM_001009944.3 (MANE Select); coding-DNA position 8000, C replaced by T.
Protein change: p.Ala2667Val; replaces alanine 2667 with valine.
Molecular consequence: missense variant.
Genome position (GRCh38, 1-based): chr16:2,105,338, G>A on the plus strand (C>T on the coding strand, the complement: PKD1 is on the minus strand). VCF-style: chr16-2105338-G-A. GRCh37 (hg19) VCF-style: chr16-2155339-G-A.
Other names: c.8000C>T, p.Ala2667Val (NM_000296.4); short protein forms A2667V.
Identifiers: ClinVar variation 3579224 (VCV003579224.2).

ClinVar aggregate classification (germline): Uncertain significance. Review status: criteria provided, multiple submitters, no conflicts (2 of 4 stars). 2 submissions from 2 submitters: Uncertain significance (2). Last evaluated 2026-09-23.

Conditions:
PKD1-related disorder. Also called: PKD1-related condition.
Polycystic kidney disease, adult type (PKD1). Also called: Polycystic Kidney Disease 1, Autosomal Dominant; Polycystic kidney disease 1; Polycystic kidney disease 1, severe; Polycystic Kidney, Autosomal Dominant; POLYCYSTIC KIDNEY DISEASE, ADULT, TYPE I; POLYCYSTIC KIDNEY DISEASE 1 WITH OR WITHOUT POLYCYSTIC LIVER DISEASE. Identifiers: MedGen C3149841, MONDO:0008263, OMIM 173900.

gnomAD v4.1: 18 of 1,593,276 alleles (0.0011%); highest among the groups gnomAD compares: East Asian, 0.0067%; no homozygotes.

Submissions (2):

PreventionGenetics, part of Exact Sciences
Classification: Uncertain significance for PKD1-related condition. Last evaluated: 2026-09-23. Review status: criteria provided, single submitter. Criteria: ACMG Guidelines, 2015. Collection method: clinical testing. Allele origin: germline.
Comment: The PKD1 c.8000C>T variant is predicted to result in the amino acid substitution p.Ala2667Val. To our knowledge, this variant has not been reported in the literature. Of note, other missense variants impacting the same amino acid residue have been reported in patients with kidney anomalies (including polycystic kidney disease) (p.Ala2667Glu in Table S5, Carrera et al. 2016. PubMed ID: 27499327; p.Ala2667Gly in Liang et al. 2019. PubMed ID: 31730820). The c.8000C>T (p.Ala2667Val) variant is reported in 0.0066% of alleles in individuals of South Asian descent in gnomAD. At this time, the clinical significance of this variant is uncertain due to the absence of conclusive functional and genetic evidence.

Fulgent Genetics
Classification: Uncertain significance for Polycystic kidney disease, adult type. Last evaluated: 2024-01-23. Review status: criteria provided, single submitter. Criteria: ACMG Guidelines, 2015. Collection method: clinical testing. Allele origin: germline.